The following is an entry in ClinVar:

ClinVar aggregate classification (germline): Uncertain significance. Review status: criteria provided, multiple submitters, no conflicts (2 of 4 stars). 2 submissions from 2 submitters: Uncertain significance (2). Last evaluated 2025-11-02.

Allele frequency attached by ClinVar (database versions not stated): ExAC 0.00001; gnomAD exomes 0.00001; gnomAD 0.00002 and 0.00003; 1000 Genomes Project 30x 0.00016; 1000 Genomes Project 0.00020.
gnomAD v4.1: 13 of 1,614,098 alleles (0.00081%); highest among the groups gnomAD compares: Middle Eastern, 0.016%; no homozygotes.

Submissions (2):

Labcorp Genetics (formerly Invitae), Labcorp
Classification: Uncertain significance. Last evaluated: 2025-11-02. Review status: criteria provided, single submitter. Criteria: Invitae Variant Classification Sherloc (09022015). Collection method: clinical testing. Allele origin: germline.
Comment: This sequence change replaces aspartic acid, which is acidic and polar, with glycine, which is neutral and non-polar, at codon 90 of the KCNJ13 protein (p.Asp90Gly). This variant is present in population databases (rs183766886, gnomAD 0.003%). This missense change has been observed in individual(s) with clinical features of KCNJ13-related conditions (PMID: 32483926). ClinVar contains an entry for this variant (Variation ID: 1402221). An algorithm developed to predict the effect of missense changes on protein structure and function (PolyPhen-2) suggests that this variant is likely to be disruptive. In summary, the available evidence is currently insufficient to determine the role of this variant in disease. Therefore, it has been classified as a Variant of Uncertain Significance.

Blueprint Genetics
Classification: Uncertain significance. Last evaluated: 2022-03-21. Review status: criteria provided, single submitter. Criteria: ACMG Guidelines, 2015. Collection method: clinical testing. Allele origin: germline.

Literature cited by the submitters: PubMed 32483926 (cited by Labcorp Genetics (formerly Invitae), Labcorp).

NM_002242.4(KCNJ13):c.269A>G (p.Asp90Gly)

Genes: GIGYF2 (GRB10 interacting GYF protein 2; plus strand), KCNJ13 (potassium inwardly rectifying channel subfamily J member 13; minus strand). Cytogenetic location: 2q37.1.
Variant type: single nucleotide variant.
Coding change: c.269A>G on transcript NM_002242.4 (MANE Select); coding-DNA position 269, A replaced by G.
Protein change: p.Asp90Gly; replaces aspartic acid 90 with glycine.
Molecular consequence: missense variant. On other transcripts: intron variant (5).
Genome position (GRCh38, 1-based): chr2:232,771,094, T>C on the plus strand (A>G on the coding strand, the complement: KCNJ13 is on the minus strand). VCF-style: chr2-232771094-T-C. GRCh37 (hg19) VCF-style: chr2-233635804-T-C.
Other names: c.29A>G, p.Asp10Gly (NM_001172417.1); c.532+9658T>C (NM_001103146.3, NM_015575.4, NM_001103148.2); c.533-5318T>C (NM_001103147.2); c.224+45A>G (NM_001172416.1); short protein forms D10G, D90G.
Identifiers: ClinVar variation 1402221 (VCV001402221.7), dbSNP rs183766886, ClinGen allele CA2170066.
Genomic context (GRCh38, chr2:232,771,094, plus strand): 5'-AATGCAGCTGTGAAACTGGTGATATACTTGACACAGATAGTGTGGTTTTCAGGTGGGGCA[T>C]CATGATCTAGTTCCAGATCACCATTCATCTCAGCCAGAACATACCAGAGCACTGCAAAGA-3'
Protein context (NP_002233.2, residues 80-100): EMNGDLELDH[Asp90Gly]APPENHTICV